The following is an entry in ClinVar:

NM_000256.3(MYBPC3):c.2333C>T (p.Pro778Leu)

Gene: MYBPC3 (myosin binding protein C3; minus strand). Cytogenetic location: 11p11.2.
Variant type: single nucleotide variant.
Coding change: c.2333C>T on transcript NM_000256.3 (MANE Select); coding-DNA position 2333, C replaced by T.
Protein change: p.Pro778Leu; replaces proline 778 with leucine.
Molecular consequence: missense variant.
Genome position (GRCh38, 1-based): chr11:47,337,770, G>A on the plus strand (C>T on the coding strand, the complement: MYBPC3 is on the minus strand). VCF-style: chr11-47337770-G-A. GRCh37 (hg19) VCF-style: chr11-47359321-G-A.
Other names: short protein forms P778L.
Identifiers: ClinVar variation 4614581 (VCV004614581.2).

ClinVar aggregate classification (germline): Uncertain significance. Review status: criteria provided, multiple submitters, no conflicts (2 of 4 stars). 2 submissions from 2 submitters: Uncertain significance (2). Last evaluated 2025-10-01.

Conditions:
Hypertrophic cardiomyopathy. Also called: HYPERTROPHIC MYOCARDIOPATHY. Identifiers: Orphanet 217569, MedGen C0007194, MeSH D002312, MONDO:0005045, HP:0001639.
Cardiovascular phenotype. Identifiers: MedGen CN230736.

Submissions (2):

Ambry Genetics
Classification: Uncertain significance for Cardiovascular phenotype. Last evaluated: 2025-10-01. Review status: criteria provided, single submitter. Criteria: Ambry Variant Classification Scheme 2023. Collection method: clinical testing. Allele origin: germline.
Comment: The p.P778L variant (also known as c.2333C>T), located in coding exon 24 of the MYBPC3 gene, results from a C to T substitution at nucleotide position 2333. The proline at codon 778 is replaced by leucine, an amino acid with similar properties. This amino acid position is conserved. In addition, this alteration is predicted to be tolerated by in silico analysis. Based on the available evidence, the clinical significance of this variant remains unclear.

Labcorp Genetics (formerly Invitae), Labcorp
Classification: Uncertain significance for Hypertrophic cardiomyopathy. Last evaluated: 2025-09-25. Review status: criteria provided, single submitter. Criteria: Invitae Variant Classification Sherloc (09022015). Collection method: clinical testing. Allele origin: germline.
Comment: This sequence change replaces proline, which is neutral and non-polar, with leucine, which is neutral and non-polar, at codon 778 of the MYBPC3 protein (p.Pro778Leu). This variant is present in population databases (no rsID available, gnomAD 0.007%). This variant has not been reported in the literature in individuals affected with MYBPC3-related conditions. An algorithm developed to predict the effect of missense changes on protein structure and function (PolyPhen-2) suggests that this variant is likely to be disruptive. In summary, the available evidence is currently insufficient to determine the role of this variant in disease. Therefore, it has been classified as a Variant of Uncertain Significance.